The following is an entry in ClinVar:

NM_004369.4(COL6A3):c.2993C>T (p.Ser998Leu)

Gene: COL6A3 (collagen type VI alpha 3 chain; minus strand). Cytogenetic location: 2q37.3.
Variant type: single nucleotide variant.
Coding change: c.2993C>T on transcript NM_004369.4 (MANE Select); coding-DNA position 2993, C replaced by T.
Protein change: p.Ser998Leu; replaces serine 998 with leucine.
Molecular consequence: missense variant.
Genome position (GRCh38, 1-based): chr2:237,376,849, G>A on the plus strand (C>T on the coding strand, the complement: COL6A3 is on the minus strand). VCF-style: chr2-237376849-G-A. GRCh37 (hg19) VCF-style: chr2-238285492-G-A.
Other names: c.2993C>T (NM_004369.3); c.1772C>T, p.Ser591Leu (NM_057164.5); c.2375C>T, p.Ser792Leu (NM_057165.5, NM_057167.4); c.1172C>T, p.Ser391Leu (NM_057166.5); short protein forms S391L, S792L, S591L, S998L.
Identifiers: ClinVar variation 1491430 (VCV001491430.12), dbSNP rs774161895, ClinGen allele CA2189275.

ClinVar aggregate classification (germline): Uncertain significance. Review status: criteria provided, multiple submitters, no conflicts (2 of 4 stars). 3 submissions from 3 submitters: Uncertain significance (3). Last evaluated 2025-11-05.

Conditions:
Inborn genetic diseases. Identifiers: MedGen C0950123, MeSH D030342.
Bethlem myopathy 1A. Also called: Bethlem myopathy 1; Bethlem Muscular Dystrophy; MYOPATHY, BENIGN CONGENITAL, WITH CONTRACTURES. Identifiers: Orphanet 610, MedGen CN029274, MONDO:0024530, OMIM 158810.

Allele frequency attached by ClinVar (database versions not stated): gnomAD exomes below 0.00001 and 0.00001; ExAC 0.00001; gnomAD 0.00002 and 0.00003; TOPMed 0.00002.
gnomAD v4.1: 15 of 1,614,060 alleles (0.00093%); highest among the groups gnomAD compares: African/African-American, 0.0053%; no homozygotes.

Submissions (3):

Ambry Genetics
Classification: Uncertain significance for Inborn genetic diseases. Last evaluated: 2025-11-05. Review status: criteria provided, single submitter. Criteria: Ambry Variant Classification Scheme 2023. Collection method: clinical testing. Allele origin: germline.

Labcorp Genetics (formerly Invitae), Labcorp
Classification: Uncertain significance for Bethlem myopathy 1A. Last evaluated: 2022-08-09. Review status: criteria provided, single submitter. Criteria: Invitae Variant Classification Sherloc (09022015). Collection method: clinical testing. Allele origin: germline.
Comment: In summary, the available evidence is currently insufficient to determine the role of this variant in disease. Therefore, it has been classified as a Variant of Uncertain Significance. Advanced modeling of protein sequence and biophysical properties (such as structural, functional, and spatial information, amino acid conservation, physicochemical variation, residue mobility, and thermodynamic stability) performed at Invitae indicates that this missense variant is not expected to disrupt COL6A3 protein function. ClinVar contains an entry for this variant (Variation ID: 1491430). This variant has not been reported in the literature in individuals affected with COL6A3-related conditions. This variant is present in population databases (rs774161895, gnomAD 0.0009%). This sequence change replaces serine, which is neutral and polar, with leucine, which is neutral and non-polar, at codon 998 of the COL6A3 protein (p.Ser998Leu).

Revvity Omics, Revvity
Classification: Uncertain significance. Last evaluated: 2019-12-10. Review status: criteria provided, single submitter. Criteria: ACMG Guidelines, 2015. Collection method: clinical testing. Allele origin: germline.